The following is an entry in ClinVar:

ClinVar aggregate classification (germline): Uncertain significance. Review status: criteria provided, multiple submitters, no conflicts (2 of 4 stars). 2 submissions from 2 submitters: Uncertain significance (2). Last evaluated 2025-11-23.

Conditions:
Primary ciliary dyskinesia. Also called: Ciliary dyskinesia. Identifiers: Orphanet 244, MedGen C0008780, MONDO:0016575, HP:0012265.

Allele frequency attached by ClinVar (database versions not stated): ExAC 0.00001; gnomAD 0.00001; 1000 Genomes Project 30x 0.00031; 1000 Genomes Project 0.00040.
gnomAD v4.1: 7 of 1,614,152 alleles (0.00043%); highest among the groups gnomAD compares: South Asian, 0.0077%; no homozygotes.

Submissions (2):

Ambry Genetics
Classification: Uncertain significance for Primary ciliary dyskinesia. Last evaluated: 2025-11-23. Review status: criteria provided, single submitter. Criteria: Ambry Variant Classification Scheme 2023. Collection method: clinical testing. Allele origin: germline.

Labcorp Genetics (formerly Invitae), Labcorp
Classification: Uncertain significance for Primary ciliary dyskinesia. Last evaluated: 2022-07-28. Review status: criteria provided, single submitter. Criteria: Invitae Variant Classification Sherloc (09022015). Collection method: clinical testing. Allele origin: germline.
Comment: This sequence change replaces isoleucine, which is neutral and non-polar, with leucine, which is neutral and non-polar, at codon 4339 of the DNAH5 protein (p.Ile4339Leu). This variant is present in population databases (rs560535018, gnomAD 0.006%). This variant has not been reported in the literature in individuals affected with DNAH5-related conditions. Advanced modeling of protein sequence and biophysical properties (such as structural, functional, and spatial information, amino acid conservation, physicochemical variation, residue mobility, and thermodynamic stability) performed at Invitae indicates that this missense variant is not expected to disrupt DNAH5 protein function. In summary, the available evidence is currently insufficient to determine the role of this variant in disease. Therefore, it has been classified as a Variant of Uncertain Significance.

NM_001369.3(DNAH5):c.13015A>C (p.Ile4339Leu)

Gene: DNAH5 (dynein axonemal heavy chain 5; minus strand). Cytogenetic location: 5p15.2.
Variant type: single nucleotide variant.
Coding change: c.13015A>C on transcript NM_001369.3 (MANE Select); coding-DNA position 13015, A replaced by C.
Protein change: p.Ile4339Leu; replaces isoleucine 4339 with leucine.
Molecular consequence: missense variant.
Genome position (GRCh38, 1-based): chr5:13,714,515, T>G on the plus strand (A>C on the coding strand, the complement: DNAH5 is on the minus strand). VCF-style: chr5-13714515-T-G. GRCh37 (hg19) VCF-style: chr5-13714624-T-G.
Other names: c.13015A>C (NM_001369.2); short protein forms I4339L.
Identifiers: ClinVar variation 2150552 (VCV002150552.2), dbSNP rs560535018, ClinGen allele CA3201477.